The following is an entry in ClinVar:

ClinVar aggregate classification (germline): Benign/Likely benign. Review status: criteria provided, multiple submitters, no conflicts (2 of 4 stars). 4 submissions from 4 submitters: Benign (3); Likely benign (1). Last evaluated 2026-02-04.

Conditions:
Tumor predisposition syndrome 3 (TPDS3). Also called: Glioma susceptibility 9; LONG TELOMERE SYNDROME, POT1-RELATED; POT1 Tumor Predisposition; Melanoma, cutaneous malignant, susceptibility to, 10. Identifiers: Orphanet 618, MedGen C4014476, MONDO:0014368, OMIM 615848.

Allele frequency attached by ClinVar (database versions not stated): ESP Exome Variant Server 0.38886; TOPMed 0.39527; gnomAD exomes 0.39763 and 0.41451; gnomAD 0.39789 and 0.39790; ExAC 0.41138; 1000 Genomes Project 30x 0.41818; 1000 Genomes Project 0.41893.
gnomAD v4.1: 636,705 of 1,599,208 alleles (40%); highest among the groups gnomAD compares: East Asian, 48%; 127,704 homozygotes.

Submissions (4):

Labcorp Genetics (formerly Invitae), Labcorp
Classification: Benign for Tumor predisposition syndrome 3. Last evaluated: 2026-02-04. Review status: criteria provided, single submitter. Criteria: Invitae Variant Classification Sherloc (09022015). Collection method: clinical testing. Allele origin: germline.

Blueprint Genetics
Classification: Likely benign. Last evaluated: 2024-11-27. Review status: criteria provided, single submitter. Criteria: ACMG Guidelines, 2015. Collection method: clinical testing. Allele origin: germline.

GeneDx
Classification: Benign. Last evaluated: 2017-10-14. Review status: criteria provided, single submitter. Criteria: GeneDx Variant Classification (06012015). Collection method: clinical testing. Allele origin: germline. Affected: yes.
Comment: This variant is considered likely benign or benign based on one or more of the following criteria: it is a conservative change, it occurs at a poorly conserved position in the protein, it is predicted to be benign by multiple in silico algorithms, and/or has population frequency not consistent with disease.

Breakthrough Genomics
Classification: Benign. Review status: criteria provided, single submitter. Criteria: ACMG Guidelines, 2015. Collection method: not provided. Allele origin: germline. Inheritance: Autosomal dominant inheritance. Affected: yes.

NM_015450.3(POT1):c.1164-13C>T

Gene: POT1 (protection of telomeres 1; minus strand). Cytogenetic location: 7q31.33.
Variant type: single nucleotide variant.
Coding change: c.1164-13C>T on transcript NM_015450.3 (MANE Select); 13 bases into the intron before coding-DNA position 1164, C replaced by T.
Molecular consequence: intron variant.
Genome position (GRCh38, 1-based): chr7:124,841,191, G>A on the plus strand (C>T on the coding strand, the complement: POT1 is on the minus strand). VCF-style: chr7-124841191-G-A. GRCh37 (hg19) VCF-style: chr7-124481245-G-A.
Other names: c.771-13C>T (NM_001042594.2).
Identifiers: ClinVar variation 516586 (VCV000516586.11), dbSNP rs3815221, ClinGen allele CA4465198.